The following is an entry in ClinVar:

ClinVar aggregate classification (germline): Benign/Likely benign. Review status: criteria provided, multiple submitters, no conflicts (2 of 4 stars). 3 submissions from 3 submitters: Benign (1); Likely benign (2). Last evaluated 2025-05-28.

Conditions:
Pheochromocytoma/paraganglioma syndrome 5. Also called: Paragangliomas 5; SDHA-Related Hereditary Paraganglioma-Pheochromocytoma Syndrome. Identifiers: Orphanet 29072, MedGen C3279992, MONDO:0013602, OMIM 614165.
Mitochondrial complex II deficiency, nuclear type 1. Also called: SUCCINATE CoQ REDUCTASE DEFICIENCY. Identifiers: Orphanet 3208, MedGen C5700310, MONDO:0100294, OMIM 252011.
Hereditary cancer-predisposing syndrome. Also called: Tumor predisposition; Neoplastic Syndromes, Hereditary; Hereditary Cancer Syndrome; Hereditary neoplastic syndrome. Identifiers: Orphanet 140162, MedGen C0027672, MeSH D009386, MONDO:0015356.

Allele frequency attached by ClinVar (database versions not stated): ESP Exome Variant Server 0.00008.

Submissions (3):

Labcorp Genetics (formerly Invitae), Labcorp
Classification: Likely benign for Pheochromocytoma/paraganglioma syndrome 5; Mitochondrial complex II deficiency, nuclear type 1. Last evaluated: 2025-05-28. Review status: criteria provided, single submitter. Criteria: Invitae Variant Classification Sherloc (09022015). Collection method: clinical testing. Allele origin: germline.

Myriad Genetics, Inc.
Classification: Benign for Pheochromocytoma/paraganglioma syndrome 5. Last evaluated: 2025-02-28. Review status: criteria provided, single submitter. Criteria: Myriad Autosomal Dominant, Autosomal Recessive and X-Linked Classification Criteria (2023). Collection method: clinical testing. Allele origin: unknown.
Comment: This variant is considered benign. This variant is a silent/synonymous amino acid change and it is not expected to impact splicing.

Ambry Genetics
Classification: Likely benign for Hereditary cancer-predisposing syndrome. Last evaluated: 2020-06-17. Review status: criteria provided, single submitter. Criteria: Ambry Variant Classification Scheme 2023. Collection method: clinical testing. Allele origin: germline.

NM_004168.4(SDHA):c.345G>A (p.Glu115=)

Gene: SDHA (succinate dehydrogenase complex flavoprotein subunit A; plus strand). Cytogenetic location: 5p15.33.
Variant type: single nucleotide variant.
Coding change: c.345G>A on transcript NM_004168.4 (MANE Select); coding-DNA position 345, G replaced by A.
Protein change: p.Glu115=; no amino-acid change (glutamic acid 115 retained).
Molecular consequence: synonymous variant. On other transcripts: intron variant (1).
Genome position (GRCh38, 1-based): chr5:225,451, G>A. VCF-style: chr5-225451-G-A. GRCh37 (hg19) VCF-style: chr5-225566-G-A.
Other names: c.345G>A, p.Glu115= (NM_001330758.2); c.313-432G>A (NM_001294332.2).
Identifiers: ClinVar variation 1134335 (VCV001134335.12), dbSNP rs368286780, ClinGen allele CA112815560.
Genomic context (GRCh38, chr5:225,451, plus strand): 5'-GCTTGTAAGGAGTGGTTGGTGTTTCCAGGGAGGAATCAATGCTGCTCTGGGGAACATGGA[G>A]GAGGACAACTGGAGGTGGCATTTCTACGACACCGTGAAGGGCTCCGACTGGCTGGGGGAC-3'
Protein context (NP_004159.2, residues 105-125): GGINAALGNM[Glu115=]EDNWRWHFYD